The following is an entry in ClinVar:

ClinVar aggregate classification (germline): Pathogenic (0 of 4 stars; one submission).

Conditions:
Adenoid cystic carcinoma. Also called: Adenocystic carcinoma. Identifiers: MedGen C0010606, MeSH D003528, MONDO:0004971.

Submission:

Genome Sciences Centre, British Columbia Cancer Agency
Classification: Pathogenic for Adenoid cystic carcinoma. Last evaluated: 2018-02-01. Review status: no assertion criteria provided. Collection method: research. Allele origin: somatic. Inheritance: Somatic mutation. Affected: yes. Observed: 1 variant allele.
Comment: Gene fusion known to be causative in this disease type.

t(6;9)(q23.3;p22.3)

Genes: MYB (MYB proto-oncogene, transcription factor; plus strand), NFIB (nuclear factor I B; minus strand). Cytogenetic location: 6q23.3.
Variant type: Translocation.
Identifiers: ClinVar variation 495139 (VCV000495139.1).